The following is an entry in ClinVar:

ClinVar aggregate classification (germline): Uncertain significance (1 of 4 stars; one submission).

Conditions:
Joubert syndrome. Also called: CEREBELLOPARENCHYMAL DISORDER IV; JOUBERT-BOLTSHAUSER SYNDROME; Familial aplasia of the vermis. Identifiers: Orphanet 475, MedGen C5979921, MONDO:0018772.
Meckel-Gruber syndrome. Also called: DYSENCEPHALIA SPLANCHNOCYSTICA; GRUBER SYNDROME; Dysencephalia splachnocystica. Identifiers: Orphanet 564, MedGen C0265215, MONDO:0018921.

Submission:

Labcorp Genetics (formerly Invitae), Labcorp
Classification: Uncertain significance for Joubert syndrome; Meckel-Gruber syndrome. Last evaluated: 2022-08-08. Review status: criteria provided, single submitter. Criteria: Invitae Variant Classification Sherloc (09022015). Collection method: clinical testing. Allele origin: germline.
Comment: In summary, the available evidence is currently insufficient to determine the role of this variant in disease. Therefore, it has been classified as a Variant of Uncertain Significance. Algorithms developed to predict the effect of sequence changes on RNA splicing suggest that this variant may create or strengthen a splice site. Advanced modeling of protein sequence and biophysical properties (such as structural, functional, and spatial information, amino acid conservation, physicochemical variation, residue mobility, and thermodynamic stability) performed at Invitae indicates that this missense variant is expected to disrupt MKS1 protein function. This variant has not been reported in the literature in individuals affected with MKS1-related conditions. This variant is not present in population databases (gnomAD no frequency). This sequence change replaces arginine, which is basic and polar, with leucine, which is neutral and non-polar, at codon 475 of the MKS1 protein (p.Arg475Leu).

NM_017777.4(MKS1):c.1424G>T (p.Arg475Leu)

Gene: MKS1 (MKS transition zone complex subunit 1; minus strand). Cytogenetic location: 17q22.
Variant type: single nucleotide variant.
Coding change: c.1424G>T on transcript NM_017777.4 (MANE Select); coding-DNA position 1424, G replaced by T.
Protein change: p.Arg475Leu; replaces arginine 475 with leucine.
Molecular consequence: missense variant. On other transcripts: intron variant (2).
Genome position (GRCh38, 1-based): chr17:58,206,531, C>A on the plus strand (G>T on the coding strand, the complement: MKS1 is on the minus strand). VCF-style: chr17-58206531-C-A. GRCh37 (hg19) VCF-style: chr17-56283892-C-A.
Other names: c.815G>T, p.Arg272Leu (NM_001321268.2); c.1274-151G>T (NM_001330397.2); c.1408-151G>T (NM_001321269.2); short protein forms R475L, R272L.
Identifiers: ClinVar variation 2132575 (VCV002132575.4), dbSNP rs200026560, ClinGen allele CA400324752.